The following is an entry in ClinVar:

NM_017514.5(PLXNA3):c.4046C>T (p.Thr1349Met)

Gene: PLXNA3 (plexin A3; plus strand). Cytogenetic location: Xq28.
Variant type: single nucleotide variant.
Coding change: c.4046C>T on transcript NM_017514.5 (MANE Select); coding-DNA position 4046, C replaced by T.
Protein change: p.Thr1349Met; replaces threonine 1349 with methionine.
Molecular consequence: missense variant.
Genome position (GRCh38, 1-based): chrX:154,468,385, C>T. VCF-style: chrX-154468385-C-T. GRCh37 (hg19) VCF-style: chrX-153696728-C-T.
Other names: short protein forms T1349M.
Identifiers: ClinVar variation 4989869 (VCV004989869.1).

ClinVar aggregate classification (germline): Uncertain significance (1 of 4 stars; one submission).

Conditions:
PLXNA3-related disorder. Also called: PLXNA3-related condition.

Submission:

PreventionGenetics, part of Exact Sciences
Classification: Uncertain significance for PLXNA3-related condition. Last evaluated: 2024-10-10. Review status: criteria provided, single submitter. Criteria: ACMG Guidelines, 2015. Collection method: clinical testing. Allele origin: germline.
Comment: The PLXNA3 c.4046C>T variant is predicted to result in the amino acid substitution p.Thr1349Met. To our knowledge, this variant has not been reported in the literature. This variant is reported in 0.0078% of alleles in individuals of African descent in gnomAD. At this time, the clinical significance of this variant is uncertain due to the absence of conclusive functional and genetic evidence.